The following is an entry in ClinVar:

ClinVar aggregate classification (germline): Likely benign. Review status: criteria provided, multiple submitters, no conflicts (2 of 4 stars). 4 submissions from 4 submitters: Likely benign (3). 1 of the submissions does not count toward it. Last evaluated 2026-01-13.

Conditions:
PLOD1-related disorder. Also called: PLOD1-related condition.
Familial thoracic aortic aneurysm and aortic dissection (TAAD). Also called: Thoracic aortic aneurysms and dissections. Identifiers: Orphanet 91387, MedGen C4707243, MONDO:0019625.
Ehlers-Danlos syndrome, kyphoscoliotic type 1 (EDSKSCL1). Also called: EHLERS-DANLOS SYNDROME, TYPE VIA; Ehlers-Danlos syndrome, hydroxylysine-deficient; EHLERS-DANLOS SYNDROME, OCULAR-SCOLIOTIC TYPE; PLOD1-Related Kyphoscoliotic Ehlers-Danlos Syndrome. Identifiers: Orphanet 1900, MedGen C0268342, MONDO:0016002, OMIM 225400. Disease mechanism: loss of function.

Allele frequency attached by ClinVar (database versions not stated): gnomAD exomes below 0.00001 and 0.00001; gnomAD 0.00001; TOPMed 0.00001.
gnomAD v4.1: 23 of 1,612,496 alleles (0.0014%); highest among the groups gnomAD compares: Non-Finnish European, 0.0019%; no homozygotes.

Submissions (4):

Women's Health and Genetics/Laboratory Corporation of America, LabCorp
Classification: Likely benign. Last evaluated: 2026-01-13. Review status: criteria provided, single submitter. Criteria: LabCorp Variant Classification Summary - May 2015. Collection method: clinical testing. Allele origin: germline.

Labcorp Genetics (formerly Invitae), Labcorp
Classification: Likely benign for Ehlers-Danlos syndrome, kyphoscoliotic type 1. Last evaluated: 2026-01-07. Review status: criteria provided, single submitter. Criteria: Invitae Variant Classification Sherloc (09022015). Collection method: clinical testing. Allele origin: germline.

Ambry Genetics
Classification: Likely benign for Familial thoracic aortic aneurysm and aortic dissection. Last evaluated: 2023-02-26. Review status: criteria provided, single submitter. Criteria: Ambry Variant Classification Scheme 2023. Collection method: clinical testing. Allele origin: germline.

PreventionGenetics, part of Exact Sciences
Classification: Likely benign for PLOD1-related condition. Last evaluated: 2023-03-08. Review status: no assertion criteria provided. Collection method: clinical testing. Allele origin: germline. Not counted in ClinVar's aggregate classification.
Comment: This variant is classified as likely benign based on ACMG/AMP sequence variant interpretation guidelines (Richards et al. 2015 PMID: 25741868, with internal and published modifications).

NM_000302.4(PLOD1):c.1317G>A (p.Gln439=)

Gene: PLOD1 (procollagen-lysine,2-oxoglutarate 5-dioxygenase 1; plus strand). Cytogenetic location: 1p36.22.
Variant type: single nucleotide variant.
Coding change: c.1317G>A on transcript NM_000302.4 (MANE Select); coding-DNA position 1317, G replaced by A.
Protein change: p.Gln439=; no amino-acid change (glutamine 439 retained).
Molecular consequence: synonymous variant.
Genome position (GRCh38, 1-based): chr1:11,964,289, G>A. VCF-style: chr1-11964289-G-A. GRCh37 (hg19) VCF-style: chr1-12024346-G-A.
Other names: c.1317G>A (NM_000302.3); c.1458G>A, p.Gln486= (NM_001316320.2).
Identifiers: ClinVar variation 1592500 (VCV001592500.12), dbSNP rs1334363341, ClinGen allele CA416107483.